The following is an entry in ClinVar:

NM_001447.3(FAT2):c.1880A>G (p.Asn627Ser)

Gene: FAT2 (FAT atypical cadherin 2; minus strand). Cytogenetic location: 5q33.1.
Variant type: single nucleotide variant.
Coding change: c.1880A>G on transcript NM_001447.3 (MANE Select); coding-DNA position 1880, A replaced by G.
Protein change: p.Asn627Ser; replaces asparagine 627 with serine.
Molecular consequence: missense variant.
Genome position (GRCh38, 1-based): chr5:151,567,052, T>C on the plus strand (A>G on the coding strand, the complement: FAT2 is on the minus strand). VCF-style: chr5-151567052-T-C. GRCh37 (hg19) VCF-style: chr5-150946613-T-C.
Other names: c.1880A>G (NM_001447.2); short protein forms N627S.
Identifiers: ClinVar variation 2049141 (VCV002049141.31), dbSNP rs144956475, ClinGen allele CA3522171.

ClinVar aggregate classification (germline): Benign/Likely benign. Review status: criteria provided, multiple submitters, no conflicts (2 of 4 stars). 4 submissions from 4 submitters: Benign (1); Likely benign (2). 1 of the submissions does not count toward it. Last evaluated 2026-02-01.

Conditions:
FAT2-related disorder. Also called: FAT2-related condition.

Allele frequency attached by ClinVar (database versions not stated): ESP Exome Variant Server 0.00054; 1000 Genomes Project 0.00100; TOPMed 0.00102; gnomAD 0.00104; ExAC 0.00113; 1000 Genomes Project 30x 0.00125.
gnomAD v4.1: 2,414 of 1,614,140 alleles (0.15%); highest among the groups gnomAD compares: South Asian, 0.31%; 7 homozygotes.

Submissions (4):

CeGaT Center for Human Genetics Tuebingen
Classification: Benign. Last evaluated: 2026-02-01. Review status: criteria provided, single submitter. Criteria: CeGaT Center For Human Genetics Tuebingen Variant Classification Criteria Version 2. Collection method: clinical testing. Allele origin: germline. Affected: yes. Observed: 4 variant alleles.
Comment: FAT2: BS1, BS2

Labcorp Genetics (formerly Invitae), Labcorp
Classification: Likely benign. Last evaluated: 2026-01-24. Review status: criteria provided, single submitter. Criteria: Invitae Variant Classification Sherloc (09022015). Collection method: clinical testing. Allele origin: germline.

Blueprint Genetics
Classification: Likely benign. Last evaluated: 2024-10-30. Review status: criteria provided, single submitter. Criteria: ACMG Guidelines, 2015. Collection method: clinical testing. Allele origin: germline.

PreventionGenetics, part of Exact Sciences
Classification: Likely benign for FAT2-related condition. Last evaluated: 2023-07-31. Review status: no assertion criteria provided. Collection method: clinical testing. Allele origin: germline. Not counted in ClinVar's aggregate classification.
Comment: This variant is classified as likely benign based on ACMG/AMP sequence variant interpretation guidelines (Richards et al. 2015 PMID: 25741868, with internal and published modifications).